The following is an entry in ClinVar:

ClinVar aggregate classification (germline): Conflicting classifications of pathogenicity. Review status: criteria provided, conflicting classifications (1 of 4 stars). 4 submissions from 4 submitters: Uncertain significance (2); Likely benign (1). 1 of the submissions does not count toward it. Last evaluated 2025-11-10.

Conditions:
RTEL1-related disorder. Also called: RTEL1-related disorders; RTEL1-related condition.
Pulmonary fibrosis and/or bone marrow failure, Telomere-related, 3. Also called: PULMONARY FIBROSIS AND/OR BONE MARROW FAILURE SYNDROME, TELOMERE-RELATED, 3. Identifiers: Orphanet 2032, MedGen C4225346, MONDO:0014613, OMIM 616373.
Dyskeratosis congenita, autosomal recessive 5 (DKCB5). Identifiers: MedGen C3554656, MONDO:0014076, OMIM 615190.

Allele frequency attached by ClinVar (database versions not stated): TOPMed 0.00002; gnomAD exomes 0.00009; gnomAD 0.00012; ExAC 0.00015.
gnomAD v4.1: 151 of 1,612,502 alleles (0.0094%); highest among the groups gnomAD compares: Non-Finnish European, 0.0025%; no homozygotes.

Submissions (4):

Labcorp Genetics (formerly Invitae), Labcorp
Classification: Uncertain significance for Dyskeratosis congenita, autosomal recessive 5; Pulmonary fibrosis and/or bone marrow failure, Telomere-related, 3. Last evaluated: 2025-11-10. Review status: criteria provided, single submitter. Criteria: Invitae Variant Classification Sherloc (09022015). Collection method: clinical testing. Allele origin: germline.
Comment: This sequence change replaces alanine, which is neutral and non-polar, with threonine, which is neutral and polar, at codon 445 of the RTEL1 protein (p.Ala445Thr). This variant is present in population databases (rs757365506, gnomAD 0.2%). This variant has not been reported in the literature in individuals affected with RTEL1-related conditions. ClinVar contains an entry for this variant (Variation ID: 2151257). An algorithm developed to predict the effect of missense changes on protein structure and function outputs the following: PolyPhen-2: "Benign". The threonine amino acid residue is found in multiple mammalian species, which suggests that this missense change does not adversely affect protein function. In summary, the available evidence is currently insufficient to determine the role of this variant in disease. Therefore, it has been classified as a Variant of Uncertain Significance.

Blueprint Genetics
Classification: Likely benign. Last evaluated: 2024-10-18. Review status: criteria provided, single submitter. Criteria: ACMG Guidelines, 2015. Collection method: clinical testing. Allele origin: germline.

Fulgent Genetics
Classification: Uncertain significance for Dyskeratosis congenita, autosomal recessive 5; Pulmonary fibrosis and/or bone marrow failure, Telomere-related, 3. Last evaluated: 2024-05-20. Review status: criteria provided, single submitter. Criteria: ACMG Guidelines, 2015. Collection method: clinical testing. Allele origin: germline.

PreventionGenetics, part of Exact Sciences
Classification: Likely benign for RTEL1-related condition. Last evaluated: 2023-01-10. Review status: no assertion criteria provided. Collection method: clinical testing. Allele origin: germline. Not counted in ClinVar's aggregate classification.
Comment: This variant is classified as likely benign based on ACMG/AMP sequence variant interpretation guidelines (Richards et al. 2015 PMID: 25741868, with internal and published modifications).

NM_001283009.2(RTEL1):c.1333G>A (p.Ala445Thr)

Genes: RTEL1 (regulator of telomere elongation helicase 1; plus strand), RTEL1-TNFRSF6B (RTEL1-TNFRSF6B readthrough (NMD candidate); plus strand). Cytogenetic location: 20q13.33.
Variant type: single nucleotide variant.
Coding change: c.1333G>A on transcript NM_001283009.2 (MANE Select); coding-DNA position 1333, G replaced by A.
Protein change: p.Ala445Thr; replaces alanine 445 with threonine.
Molecular consequence: missense variant. On other transcripts: non-coding transcript variant (1).
Genome position (GRCh38, 1-based): chr20:63,685,857, G>A. VCF-style: chr20-63685857-G-A. GRCh37 (hg19) VCF-style: chr20-62317210-G-A.
Other names: c.664G>A, p.Ala222Thr (NM_001283010.1); c.1333G>A, p.Ala445Thr (NM_016434.4); c.1405G>A, p.Ala469Thr (NM_032957.5); c.1405G>A (NM_032957.4); short protein forms A222T, A445T, A469T.
Identifiers: ClinVar variation 2151257 (VCV002151257.7), dbSNP rs757365506, ClinGen allele CA9964737.
Genomic context (GRCh38, chr20:63,685,857, plus strand): 5'-ATCCATCCTGATGCTGGTCACCGGAGGACGGCTCAGCGGTCTGATGCCTGGAGCACCACT[G>A]CAGCCAGAAAGCGAGGTACAGACCTGGGCCCACACGCTCCCCGCCCGCCCGGGTGCAGTG-3'
Protein context (NP_001269938.1, residues 435-455): AQRSDAWSTT[Ala445Thr]ARKRGKVLSY